The following is an entry in ClinVar:

ClinVar aggregate classification (germline): Uncertain significance (1 of 4 stars; one submission).

Conditions:
Charcot-Marie-Tooth disease type 4. Also called: Charcot-Marie-Tooth disease, type IV; Charcot-Marie-Tooth, Type 4. Identifiers: Orphanet 64749, MedGen C4082197, MONDO:0018995.

Allele frequency attached by ClinVar (database versions not stated): ExAC 0.00001.

Submission:

Labcorp Genetics (formerly Invitae), Labcorp
Classification: Uncertain significance for Charcot-Marie-Tooth disease type 4. Last evaluated: 2021-12-26. Review status: criteria provided, single submitter. Criteria: Invitae Variant Classification Sherloc (09022015). Collection method: clinical testing. Allele origin: germline.
Comment: This sequence change replaces glycine, which is neutral and non-polar, with valine, which is neutral and non-polar, at codon 219 of the SH3TC2 protein (p.Gly219Val). This variant is present in population databases (rs748374150, gnomAD 0.003%). This variant has not been reported in the literature in individuals affected with SH3TC2-related conditions. Advanced modeling of protein sequence and biophysical properties (such as structural, functional, and spatial information, amino acid conservation, physicochemical variation, residue mobility, and thermodynamic stability) performed at Invitae indicates that this missense variant is not expected to disrupt SH3TC2 protein function. In summary, the available evidence is currently insufficient to determine the role of this variant in disease. Therefore, it has been classified as a Variant of Uncertain Significance.

NM_024577.4(SH3TC2):c.656G>T (p.Gly219Val)

Gene: SH3TC2 (SH3 domain and tetratricopeptide repeats 2; minus strand). Cytogenetic location: 5q32.
Variant type: single nucleotide variant.
Coding change: c.656G>T on transcript NM_024577.4 (MANE Select); coding-DNA position 656, G replaced by T.
Protein change: p.Gly219Val; replaces glycine 219 with valine.
Molecular consequence: missense variant.
Genome position (GRCh38, 1-based): chr5:149,041,491, C>A on the plus strand (G>T on the coding strand, the complement: SH3TC2 is on the minus strand). VCF-style: chr5-149041491-C-A. GRCh37 (hg19) VCF-style: chr5-148421054-C-A.
Other names: short protein forms G219V.
Identifiers: ClinVar variation 1975209 (VCV001975209.5), dbSNP rs748374150, ClinGen allele CA3499443.